The following is an entry in ClinVar:

ClinVar aggregate classification (germline): Uncertain significance (1 of 4 stars; one submission).

Conditions:
Inborn genetic diseases. Identifiers: MedGen C0950123, MeSH D030342.

Submission:

Ambry Genetics
Classification: Uncertain significance for Inborn genetic diseases. Last evaluated: 2025-12-26. Review status: criteria provided, single submitter. Criteria: Ambry Variant Classification Scheme 2023. Collection method: clinical testing. Allele origin: germline.
Comment: The p.C213S variant (also known as c.637T>A), located in coding exon 1 of the CEBPA gene, results from a T to A substitution at nucleotide position 637. The cysteine at codon 213 is replaced by serine, an amino acid with dissimilar properties. This amino acid position is conserved. In addition, this alteration is predicted to be tolerated by in silico analysis. Based on the available evidence, the clinical significance of this variant remains unclear.

NM_004364.5(CEBPA):c.637T>A (p.Cys213Ser)

Gene: CEBPA (CCAAT enhancer binding protein alpha; minus strand). Cytogenetic location: 19q13.11.
Variant type: single nucleotide variant.
Coding change: c.637T>A on transcript NM_004364.5 (MANE Select); coding-DNA position 637, T replaced by A.
Protein change: p.Cys213Ser; replaces cysteine 213 with serine.
Molecular consequence: missense variant.
Genome position (GRCh38, 1-based): chr19:33,301,778, A>T on the plus strand (T>A on the coding strand, the complement: CEBPA is on the minus strand). VCF-style: chr19-33301778-A-T. GRCh37 (hg19) VCF-style: chr19-33792684-A-T.
Other names: c.280T>A, p.Cys94Ser (NM_001285829.2); c.742T>A, p.Cys248Ser (NM_001287424.2); c.595T>A, p.Cys199Ser (NM_001287435.2); short protein forms C213S, C248S, C199S, C94S.
Identifiers: ClinVar variation 4843294 (VCV004843294.1).
Genomic context (GRCh38, chr19:33,301,778, plus strand): 5'-GCACGGGCGTGGGCGGCGGCGTGGGGTGACCGGGCTGCAGGTGCATGGTGGTCTGGCCGC[A>T]GTGCGCGATCTGGAACTGCAGGTGCGGGGCGGCCAGGTGCGCGGGCGGCGGGTGCGGGTG-3'
Protein context (NP_004355.2, residues 203-223): APHLQFQIAH[Cys213Ser]GQTTMHLQPG